The following is an entry in ClinVar:

NM_000228.3(LAMB3):c.1336G>T (p.Glu446Ter)

Gene: LAMB3 (laminin subunit beta 3; minus strand). Cytogenetic location: 1q32.2.
Variant type: single nucleotide variant.
Coding change: c.1336G>T on transcript NM_000228.3 (MANE Select); coding-DNA position 1336, G replaced by T.
Protein change: p.Glu446Ter; replaces glutamic acid 446 with a stop codon.
Molecular consequence: nonsense.
Genome position (GRCh38, 1-based): chr1:209,627,532, C>A on the plus strand (G>T on the coding strand, the complement: LAMB3 is on the minus strand). VCF-style: chr1-209627532-C-A. GRCh37 (hg19) VCF-style: chr1-209800877-C-A.
Other names: c.1336G>T, p.Glu446Ter (NM_001017402.2, NM_001127641.1); short protein forms E446*.
Identifiers: ClinVar variation 929012 (VCV000929012.7), dbSNP rs749069550, ClinGen allele CA36757373.

ClinVar aggregate classification (germline): Pathogenic. Review status: criteria provided, multiple submitters, no conflicts (2 of 4 stars). 2 submissions from 2 submitters: Pathogenic (2). Last evaluated 2023-12-22.

Conditions:
Junctional epidermolysis bullosa. Identifiers: Orphanet 305, MedGen C0079301, MONDO:0017612.

gnomAD v4.1: 1 of 1,614,064 alleles (0.000062%); highest among the groups gnomAD compares: Non-Finnish European, 0.000085%; no homozygotes.

Submissions (2):

Labcorp Genetics (formerly Invitae), Labcorp
Classification: Pathogenic. Last evaluated: 2023-12-22. Review status: criteria provided, single submitter. Criteria: Invitae Variant Classification Sherloc (09022015). Collection method: clinical testing. Allele origin: germline.
Comment: This sequence change creates a premature translational stop signal (p.Glu446*) in the LAMB3 gene. It is expected to result in an absent or disrupted protein product. Loss-of-function variants in LAMB3 are known to be pathogenic (PMID: 11023379, 16473856). This variant is not present in population databases (gnomAD no frequency). This premature translational stop signal has been observed in individual(s) with junctional epidermolysis bullosa (PMID: 16473856). ClinVar contains an entry for this variant (Variation ID: 929012). For these reasons, this variant has been classified as Pathogenic.

Women's Health and Genetics/Laboratory Corporation of America, LabCorp
Classification: Pathogenic for Junctional epidermolysis bullosa. Last evaluated: 2021-06-25. Review status: criteria provided, single submitter. Criteria: LabCorp Variant Classification Summary - May 2015. Collection method: clinical testing. Allele origin: germline.
Comment: Variant summary: LAMB3 c.1336G>T (p.Glu446X) results in a premature termination codon, predicted to cause a truncation of the encoded protein or absence of the protein due to nonsense mediated decay, which are commonly known mechanisms for disease. Truncations downstream of this position have been classified as pathogenic by our laboratory. The variant was absent in 251166 control chromosomes. c.1336G>T has been reported in the literature in individuals affected with Junctional Epidermolysis Bullosa and has been subsequently cited by others (example, Varki_2006, Hammersen_2016, Al-Zahrani_2019). These data indicate that the variant is associated with disease. To our knowledge, no experimental evidence demonstrating an impact on protein function has been reported. No clinical diagnostic laboratories have submitted clinical-significance assessments for this variant to ClinVar after 2014. Based on the evidence outlined above, the variant was classified as pathogenic.

Literature cited by the submitters: PubMed 11023379 (cited by Labcorp Genetics (formerly Invitae), Labcorp); PubMed 16473856 (cited by Labcorp Genetics (formerly Invitae), Labcorp and Women's Health and Genetics/Laboratory Corporation of America, LabCorp); PubMed 27375110 (cited by Women's Health and Genetics/Laboratory Corporation of America, LabCorp); PubMed 29900604 (cited by Women's Health and Genetics/Laboratory Corporation of America, LabCorp).